The following is an entry in ClinVar:

NM_000180.4(GUCY2D):c.2750G>T (p.Gly917Val)

Gene: GUCY2D (guanylate cyclase 2D, retinal; plus strand). Cytogenetic location: 17p13.1.
Variant type: single nucleotide variant.
Coding change: c.2750G>T on transcript NM_000180.4 (MANE Select); coding-DNA position 2750, G replaced by T.
Protein change: p.Gly917Val; replaces glycine 917 with valine.
Molecular consequence: missense variant.
Genome position (GRCh38, 1-based): chr17:8,015,032, G>T. VCF-style: chr17-8015032-G-T. GRCh37 (hg19) VCF-style: chr17-7918350-G-T.
Other names: short protein forms G917V.
Identifiers: ClinVar variation 3753554 (VCV003753554.2).
Genomic context (GRCh38, chr17:8,015,032, plus strand): 5'-AGCCCATTGAGGTTGTGGACCTGCTCAACGATCTCTACACACTCTTTGATGCCATCATTG[G>T]TTCCCACGATGTCTACAAGGTGCAGTGTGTAGGGGACAAGCCCTCCTGACCTTCAATTCA-3'
Protein context (NP_000171.1, residues 907-927): DLYTLFDAII[Gly917Val]SHDVYKVETI

ClinVar aggregate classification (germline): Uncertain significance (1 of 4 stars; one submission).

Conditions:
Cone-rod dystrophy 6 (CORD6). Also called: Cone dystrophy progressive; RETINAL CONE DYSTROPHY 2. Identifiers: Orphanet 1872, MedGen C1866293, MONDO:0011143, OMIM 601777.
Leber congenital amaurosis 1 (LCA1). Also called: AMAUROSIS CONGENITA OF LEBER I; Congenital absence of the rods and cones; Leber's congenital tapetoretinal degeneration; Leber's congenital tapetoretinal dysplasia; RETINAL BLINDNESS, CONGENITAL. Identifiers: Orphanet 65, MedGen C2931258, MONDO:0008764, OMIM 204000.

Submission:

Labcorp Genetics (formerly Invitae), Labcorp
Classification: Uncertain significance for Leber congenital amaurosis 1; Cone-rod dystrophy 6. Last evaluated: 2024-02-09. Review status: criteria provided, single submitter. Criteria: Invitae Variant Classification Sherloc (09022015). Collection method: clinical testing. Allele origin: germline.
Comment: This sequence change replaces glycine, which is neutral and non-polar, with valine, which is neutral and non-polar, at codon 917 of the GUCY2D protein (p.Gly917Val). This variant is not present in population databases (gnomAD no frequency). This variant has not been reported in the literature in individuals affected with GUCY2D-related conditions. Advanced modeling of protein sequence and biophysical properties (such as structural, functional, and spatial information, amino acid conservation, physicochemical variation, residue mobility, and thermodynamic stability) has been performed at Invitae for this missense variant, however the output from this modeling did not meet the statistical confidence thresholds required to predict the impact of this variant on GUCY2D protein function. In summary, the available evidence is currently insufficient to determine the role of this variant in disease. Therefore, it has been classified as a Variant of Uncertain Significance.